The following is an entry in ClinVar:

ClinVar aggregate classification (germline): Uncertain significance (1 of 4 stars; one submission).

Conditions:
Developmental and epileptic encephalopathy. Identifiers: MedGen C5779964, MONDO:0100620.

Allele frequency attached by ClinVar (database versions not stated): gnomAD exomes below 0.00001; TOPMed below 0.00001.
gnomAD v4.1: 3 of 1,613,942 alleles (0.00019%); highest among the groups gnomAD compares: Non-Finnish European, 0.00025%; no homozygotes.

Submission:

Labcorp Genetics (formerly Invitae), Labcorp
Classification: Uncertain significance for Early-infantile DEE. Last evaluated: 2022-04-12. Review status: criteria provided, single submitter. Criteria: Invitae Variant Classification Sherloc (09022015). Collection method: clinical testing. Allele origin: germline.
Comment: This sequence change replaces arginine, which is basic and polar, with cysteine, which is neutral and slightly polar, at codon 785 of the CACNA2D2 protein (p.Arg785Cys). This variant is not present in population databases (gnomAD no frequency). This variant has not been reported in the literature in individuals affected with CACNA2D2-related conditions. Algorithms developed to predict the effect of missense changes on protein structure and function (SIFT, PolyPhen-2, Align-GVGD) all suggest that this variant is likely to be disruptive. In summary, the available evidence is currently insufficient to determine the role of this variant in disease. Therefore, it has been classified as a Variant of Uncertain Significance.

NM_006030.4(CACNA2D2):c.2353C>T (p.Arg785Cys)

Genes: CACNA2D2 (calcium voltage-gated channel auxiliary subunit alpha2delta 2; minus strand), LOC101928965 (uncharacterized LOC101928965; plus strand), LOC127898564 (CYB561D2-LOC101928965; plus strand). Cytogenetic location: 3p21.31.
Variant type: single nucleotide variant.
Coding change: c.2353C>T on transcript NM_006030.4 (MANE Select); coding-DNA position 2353, C replaced by T.
Protein change: p.Arg785Cys; replaces arginine 785 with cysteine.
Molecular consequence: missense variant.
Genome position (GRCh38, 1-based): chr3:50,367,442, G>A on the plus strand (C>T on the coding strand, the complement: CACNA2D2 is on the minus strand). VCF-style: chr3-50367442-G-A. GRCh37 (hg19) VCF-style: chr3-50404873-G-A.
Other names: c.2353C>T, p.Arg785Cys (NM_001005505.3, NM_001410768.1); c.2374C>T, p.Arg792Cys (NM_001174051.3); c.2146C>T, p.Arg716Cys (NM_001291101.1); short protein forms R716C, R785C, R792C.
Identifiers: ClinVar variation 1906295 (VCV001906295.2), dbSNP rs1166312497, ClinGen allele CA352913342.